The following is an entry in ClinVar:

NM_006208.3(ENPP1):c.1442G>A (p.Arg481Gln)

Gene: ENPP1 (ectonucleotide pyrophosphatase/phosphodiesterase 1; plus strand). Cytogenetic location: 6q23.2.
Variant type: single nucleotide variant.
Coding change: c.1442G>A on transcript NM_006208.3 (MANE Select); coding-DNA position 1442, G replaced by A.
Protein change: p.Arg481Gln; replaces arginine 481 with glutamine.
Molecular consequence: missense variant.
Genome position (GRCh38, 1-based): chr6:131,872,927, G>A. VCF-style: chr6-131872927-G-A. GRCh37 (hg19) VCF-style: chr6-132194067-G-A.
Other names: short protein forms R481Q.
Identifiers: ClinVar variation 2734955 (VCV002734955.3), dbSNP rs777443565, ClinGen allele CA4002226.

ClinVar aggregate classification (germline): Uncertain significance (1 of 4 stars; one submission).

Allele frequency attached by ClinVar (database versions not stated): TOPMed below 0.00001; ExAC 0.00001; gnomAD exomes 0.00001.
gnomAD v4.1: 12 of 1,613,524 alleles (0.00074%); highest among the groups gnomAD compares: South Asian, 0.0011%; no homozygotes.

Submission:

Labcorp Genetics (formerly Invitae), Labcorp
Classification: Uncertain significance. Last evaluated: 2022-11-13. Review status: criteria provided, single submitter. Criteria: Invitae Variant Classification Sherloc (09022015). Collection method: clinical testing. Allele origin: germline.
Comment: In summary, the available evidence is currently insufficient to determine the role of this variant in disease. Therefore, it has been classified as a Variant of Uncertain Significance. This sequence change replaces arginine, which is basic and polar, with glutamine, which is neutral and polar, at codon 481 of the ENPP1 protein (p.Arg481Gln). This variant is present in population databases (rs777443565, gnomAD 0.009%). This missense change has been observed in individual(s) with autosomal recessive ENPP1-related conditions (PMID: 26857895). Advanced modeling of protein sequence and biophysical properties (such as structural, functional, and spatial information, amino acid conservation, physicochemical variation, residue mobility, and thermodynamic stability) performed at Invitae indicates that this missense variant is not expected to disrupt ENPP1 protein function. This variant disrupts the p.Arg481 amino acid residue in ENPP1. Other variant(s) that disrupt this residue have been determined to be pathogenic (PMID: 12881724, 29244957, 31826312). This suggests that this residue is clinically significant, and that variants that disrupt this residue are likely to be disease-causing.

Literature cited by the submitters: PubMed 26857895; PubMed 12881724; PubMed 29244957; PubMed 31826312.